The following is an entry in ClinVar:

ClinVar aggregate classification (germline): Uncertain significance (1 of 4 stars; one submission).

Allele frequency attached by ClinVar (database versions not stated): gnomAD exomes below 0.00001.

Submission:

Labcorp Genetics (formerly Invitae), Labcorp
Classification: Uncertain significance. Last evaluated: 2024-12-16. Review status: criteria provided, single submitter. Criteria: Invitae Variant Classification Sherloc (09022015). Collection method: clinical testing. Allele origin: germline.
Comment: This sequence change replaces glutamine, which is neutral and polar, with glutamic acid, which is acidic and polar, at codon 140 of the UCHL1 protein (p.Gln140Glu). This variant is not present in population databases (gnomAD no frequency). This variant has not been reported in the literature in individuals affected with UCHL1-related conditions. ClinVar contains an entry for this variant (Variation ID: 2808003). An algorithm developed to predict the effect of missense changes on protein structure and function (PolyPhen-2) suggests that this variant is likely to be tolerated. In summary, the available evidence is currently insufficient to determine the role of this variant in disease. Therefore, it has been classified as a Variant of Uncertain Significance.

NM_004181.5(UCHL1):c.418C>G (p.Gln140Glu)

Gene: UCHL1 (ubiquitin C-terminal hydrolase L1; plus strand). Cytogenetic location: 4p13.
Variant type: single nucleotide variant.
Coding change: c.418C>G on transcript NM_004181.5 (MANE Select); coding-DNA position 418, C replaced by G.
Protein change: p.Gln140Glu; replaces glutamine 140 with glutamic acid.
Molecular consequence: missense variant.
Genome position (GRCh38, 1-based): chr4:41,261,882, C>G. VCF-style: chr4-41261882-C-G. GRCh37 (hg19) VCF-style: chr4-41263899-C-G.
Other names: short protein forms Q140E.
Identifiers: ClinVar variation 2808003 (VCV002808003.3), dbSNP rs2551922729, ClinGen allele CA356732972.